The following is an entry in ClinVar:

ClinVar aggregate classification (germline): Conflicting classifications of pathogenicity. Review status: criteria provided, conflicting classifications (1 of 4 stars). 4 submissions from 4 submitters: Uncertain significance (3); Likely benign (1). Last evaluated 2026-04-21.

Conditions:
DIAPH3-related disorder. Also called: DIAPH3-related condition.
Auditory neuropathy. Identifiers: MedGen C1852271, MONDO:0021944.

Allele frequency attached by ClinVar (database versions not stated): 1000 Genomes Project 30x 0.00031; 1000 Genomes Project 0.00040.
gnomAD v4.1: 120 of 1,602,080 alleles (0.0075%); highest among the groups gnomAD compares: East Asian, 0.094%; no homozygotes.

Submissions (4):

PreventionGenetics, part of Exact Sciences
Classification: Likely benign for DIAPH3-related condition. Last evaluated: 2026-04-21. Review status: criteria provided, single submitter. Criteria: ACMG Guidelines, 2015. Collection method: clinical testing. Allele origin: germline.
Comment: This variant is classified as likely benign based on ACMG/AMP sequence variant interpretation guidelines (Richards et al. 2015 PMID: 25741868, with internal and published modifications).

GeneDx
Classification: Uncertain significance. Last evaluated: 2024-12-18. Review status: criteria provided, single submitter. Criteria: GeneDx Variant Classification Process June 2021. Collection method: clinical testing. Allele origin: germline. Affected: yes.
Comment: In silico analysis supports that this missense variant has a deleterious effect on protein structure/function; Has not been previously published as pathogenic or benign to our knowledge; Variants in candidate genes are classified as variants of uncertain significance in accordance with ACMG guidelines (PMID: 25741868)

Labcorp Genetics (formerly Invitae), Labcorp
Classification: Uncertain significance. Last evaluated: 2023-02-08. Review status: criteria provided, single submitter. Criteria: Invitae Variant Classification Sherloc (09022015). Collection method: clinical testing. Allele origin: germline.
Comment: This variant has not been reported in the literature in individuals affected with DIAPH3-related conditions. In summary, the available evidence is currently insufficient to determine the role of this variant in disease. Therefore, it has been classified as a Variant of Uncertain Significance. Algorithms developed to predict the effect of missense changes on protein structure and function are either unavailable or do not agree on the potential impact of this missense change (SIFT: "Deleterious"; PolyPhen-2: "Probably Damaging"; Align-GVGD: "Class C0"). ClinVar contains an entry for this variant (Variation ID: 1219706). This variant is present in population databases (rs145827856, gnomAD 0.09%), and has an allele count higher than expected for a pathogenic variant. This sequence change replaces arginine, which is basic and polar, with proline, which is neutral and non-polar, at codon 448 of the DIAPH3 protein (p.Arg448Pro).

Department of Pathology and Laboratory Medicine, Sinai Health System
Classification: Uncertain significance for auditory neuropathy. Last evaluated: 2022-12-01. Review status: criteria provided, single submitter. Criteria: ACMG Guidelines, 2015. Collection method: research. Allele origin: germline.

NM_001042517.2(DIAPH3):c.1343G>C (p.Arg448Pro)

Gene: DIAPH3 (diaphanous related formin 3; minus strand). Cytogenetic location: 13q21.2.
Variant type: single nucleotide variant.
Coding change: c.1343G>C on transcript NM_001042517.2 (MANE Select); coding-DNA position 1343, G replaced by C.
Protein change: p.Arg448Pro; replaces arginine 448 with proline.
Molecular consequence: missense variant.
Genome position (GRCh38, 1-based): chr13:59,991,176, C>G on the plus strand (G>C on the coding strand, the complement: DIAPH3 is on the minus strand). VCF-style: chr13-59991176-C-G. GRCh37 (hg19) VCF-style: chr13-60565310-C-G.
Other names: c.1310G>C, p.Arg437Pro (NM_001258366.2); c.1205G>C, p.Arg402Pro (NM_001258367.2); c.1133G>C, p.Arg378Pro (NM_001258368.2); c.1343G>C, p.Arg448Pro (NM_001258369.2); c.554G>C, p.Arg185Pro (NM_001258370.2, NM_030932.4); short protein forms R185P, R378P, R402P, R437P, R448P.
Identifiers: ClinVar variation 1219706 (VCV001219706.12), dbSNP rs145827856, ClinGen allele CA6996738.
Genomic context (GRCh38, chr13:59,991,176, plus strand): 5'-TTTATTAGTGAAAGAAAACATTAGAATACAACTTCCTCTTACCTTATAAAATAATCATTT[C>G]GAATCAGCAAAAGATGCTGAAGAATAGAAATAAAATATCCCTCTGCTCTAGTTTCTTTAA-3'
Protein context (NP_001035982.1, residues 438-458): ISILQHLLLI[Arg448Pro]NDYFIRQQYF